The following is an entry in ClinVar:

ClinVar aggregate classification (germline): Likely benign (0 of 4 stars; one submission).

Conditions:
MYCBP2-related disorder. Also called: MYCBP2-related condition.

Allele frequency attached by ClinVar (database versions not stated): ExAC 0.00002; TOPMed 0.00003; gnomAD 0.00005; gnomAD exomes 0.00005.
gnomAD v4.1: 92 of 1,603,328 alleles (0.0057%); highest among the groups gnomAD compares: Non-Finnish European, 0.0071%; no homozygotes.

Submission:

PreventionGenetics, part of Exact Sciences
Classification: Likely benign for MYCBP2-related condition. Last evaluated: 2019-11-25. Review status: no assertion criteria provided. Collection method: clinical testing. Allele origin: germline.
Comment: This variant is classified as likely benign based on ACMG/AMP sequence variant interpretation guidelines (Richards et al. 2015 PMID: 25741868, with internal and published modifications).

NM_015057.5(MYCBP2):c.10368-7T>C

Gene: MYCBP2 (MYC binding protein 2; minus strand). Cytogenetic location: 13q22.3.
Variant type: single nucleotide variant.
Coding change: c.10368-7T>C on transcript NM_015057.5 (MANE Select); 7 bases into the intron before coding-DNA position 10368, T replaced by C.
Molecular consequence: intron variant.
Genome position (GRCh38, 1-based): chr13:77,090,270, A>G on the plus strand (T>C on the coding strand, the complement: MYCBP2 is on the minus strand). VCF-style: chr13-77090270-A-G. GRCh37 (hg19) VCF-style: chr13-77664405-A-G.
Identifiers: ClinVar variation 3048282 (VCV003048282.2), dbSNP rs775066932, ClinGen allele CA7008340.